The following is an entry in ClinVar:

NM_025137.4(SPG11):c.1605C>A (p.Ala535=)

Gene: SPG11 (SPG11 vesicle trafficking associated, spatacsin; minus strand). Cytogenetic location: 15q21.1.
Variant type: single nucleotide variant.
Coding change: c.1605C>A on transcript NM_025137.4 (MANE Select); coding-DNA position 1605, C replaced by A.
Protein change: p.Ala535=; no amino-acid change (alanine 535 retained).
Molecular consequence: synonymous variant.
Genome position (GRCh38, 1-based): chr15:44,633,635, G>T on the plus strand (C>A on the coding strand, the complement: SPG11 is on the minus strand). VCF-style: chr15-44633635-G-T. GRCh37 (hg19) VCF-style: chr15-44925833-G-T.
Other names: c.1605C>A, p.Ala535= (NM_001160227.2, NM_001411132.1).
Identifiers: ClinVar variation 2003510 (VCV002003510.4), dbSNP rs117683234, ClinGen allele CA490206316.
Genomic context (GRCh38, chr15:44,633,635, plus strand): 5'-AAGATTTTCCTTGCTCTTCAAAAAGAAATTTACTGTGTCCAGCTGACGATTTTCTATCCC[G>T]GCCTGAAATGAGGAGGAAAATAAAAATCAGAAAAAAATTACAATAGGAAAAAAAAATCAG-3'
Protein context (NP_079413.3, residues 525-545): RCSIPIHALE[Ala535=]GIENRQLDTV

ClinVar aggregate classification (germline): Uncertain significance (1 of 4 stars; one submission).

Conditions:
Hereditary spastic paraplegia 11. Also called: Spastic Paraplegia 11; Spastic paraplegia, mental retardation and thin corpus callosum; Nakamura Osame syndrome; Autosomal recessive hereditary spastic paraplegia, mental impairment, and thin corpus callosum; SPASTIC PARAPLEGIA, AUTOSOMAL RECESSIVE, COMPLICATED, WITH THIN CORPUS CALLOSUM; SPASTIC PARAPLEGIA, AUTOSOMAL RECESSIVE, WITH MENTAL IMPAIRMENT AND THIN CORPUS CALLOSUM. Identifiers: Orphanet 2822, MedGen C1858479, MONDO:0011445, OMIM 604360.

gnomAD v4.1: 2 of 1,612,788 alleles (0.00012%); highest among the groups gnomAD compares: Non-Finnish European, 0.00017%; no homozygotes.

Submission:

Labcorp Genetics (formerly Invitae), Labcorp
Classification: Uncertain significance for Hereditary spastic paraplegia 11. Last evaluated: 2022-06-08. Review status: criteria provided, single submitter. Criteria: Invitae Variant Classification Sherloc (09022015). Collection method: clinical testing. Allele origin: germline.
Comment: In summary, the available evidence is currently insufficient to determine the role of this variant in disease. Therefore, it has been classified as a Variant of Uncertain Significance. Algorithms developed to predict the effect of sequence changes on RNA splicing suggest that this variant may create or strengthen a splice site. This variant has not been reported in the literature in individuals affected with SPG11-related conditions. This variant is not present in population databases (gnomAD no frequency). This sequence change affects codon 535 of the SPG11 mRNA. It is a 'silent' change, meaning that it does not change the encoded amino acid sequence of the SPG11 protein.